The following is an entry in ClinVar:

NM_002294.3(LAMP2):c.47T>C (p.Leu16Pro)

Gene: LAMP2 (lysosome associated membrane protein 2; minus strand). Cytogenetic location: Xq24.
Variant type: single nucleotide variant.
Coding change: c.47T>C on transcript NM_002294.3 (MANE Select); coding-DNA position 47, T replaced by C.
Protein change: p.Leu16Pro; replaces leucine 16 with proline.
Molecular consequence: missense variant.
Genome position (GRCh38, 1-based): chrX:120,469,123, A>G on the plus strand (T>C on the coding strand, the complement: LAMP2 is on the minus strand). VCF-style: chrX-120469123-A-G. GRCh37 (hg19) VCF-style: chrX-119602978-A-G.
Other names: c.47T>C, p.Leu16Pro (NM_001122606.1, NM_013995.2); short protein forms L16P.
Identifiers: ClinVar variation 4776458 (VCV004776458.1).

ClinVar aggregate classification (germline): Uncertain significance (1 of 4 stars; one submission).

Conditions:
Danon disease. Also called: Glycogen Storage Disease Type IIb; ANTOPOL DISEASE; PSEUDOGLYCOGENOSIS II; GSD IIb; LYSOSOMAL GLYCOGEN STORAGE DISEASE WITHOUT ACID MALTASE DEFICIENCY. Identifiers: Orphanet 34587, MedGen C0878677, MONDO:0010281, OMIM 300257.

Submission:

Labcorp Genetics (formerly Invitae), Labcorp
Classification: Uncertain significance for Danon disease. Last evaluated: 2025-07-16. Review status: criteria provided, single submitter. Criteria: Invitae Variant Classification Sherloc (09022015). Collection method: clinical testing. Allele origin: germline.
Comment: This sequence change replaces leucine, which is neutral and non-polar, with proline, which is neutral and non-polar, at codon 16 of the LAMP2 protein (p.Leu16Pro). This variant is not present in population databases (gnomAD no frequency). This variant has not been reported in the literature in individuals affected with LAMP2-related conditions. An algorithm developed to predict the effect of missense changes on protein structure and function (PolyPhen-2) suggests that this variant is likely to be disruptive. In summary, the available evidence is currently insufficient to determine the role of this variant in disease. Therefore, it has been classified as a Variant of Uncertain Significance.